The following is an entry in ClinVar:

ClinVar aggregate classification (germline): Uncertain significance (1 of 4 stars; one submission).

Conditions:
Bethlem myopathy 2 (BTHLM2). Identifiers: Orphanet 536516, Orphanet 610, MedGen C4225313, MONDO:0034022, OMIM 616471.
Ullrich congenital muscular dystrophy 2 (UCMD2). Identifiers: Orphanet 75840, MedGen C4225314, MONDO:0014654, OMIM 616470.

Submission:

Labcorp Genetics (formerly Invitae), Labcorp
Classification: Uncertain significance for Bethlem myopathy 2; Ullrich congenital muscular dystrophy 2. Last evaluated: 2025-12-23. Review status: criteria provided, single submitter. Criteria: Invitae Variant Classification Sherloc (09022015). Collection method: clinical testing. Allele origin: germline.
Comment: This sequence change replaces glutamine, which is neutral and polar, with glutamic acid, which is acidic and polar, at codon 909 of the COL12A1 protein (p.Gln909Glu). This variant is not present in population databases (gnomAD no frequency). This variant has not been reported in the literature in individuals affected with COL12A1-related conditions. Invitae Evidence Modeling of protein sequence and biophysical properties (such as structural, functional, and spatial information, amino acid conservation, physicochemical variation, residue mobility, and thermodynamic stability) indicates that this missense variant is not expected to disrupt COL12A1 protein function with a negative predictive value of 80%. In summary, the available evidence is currently insufficient to determine the role of this variant in disease. Therefore, it has been classified as a Variant of Uncertain Significance.

NM_004370.6(COL12A1):c.2725C>G (p.Gln909Glu)

Gene: COL12A1 (collagen type XII alpha 1 chain; minus strand). Cytogenetic location: 6q13.
Variant type: single nucleotide variant.
Coding change: c.2725C>G on transcript NM_004370.6 (MANE Select); coding-DNA position 2725, C replaced by G.
Protein change: p.Gln909Glu; replaces glutamine 909 with glutamic acid.
Molecular consequence: missense variant. On other transcripts: intron variant (2).
Genome position (GRCh38, 1-based): chr6:75,165,765, G>C on the plus strand (C>G on the coding strand, the complement: COL12A1 is on the minus strand). VCF-style: chr6-75165765-G-C. GRCh37 (hg19) VCF-style: chr6-75875481-G-C.
Other names: c.2725C>G, p.Gln909Glu (NM_001424113.1, NM_001424114.1); c.2452C>G, p.Gln818Glu (NM_001424115.1); c.74-13283C>G (NM_001424116.1, NM_080645.3); short protein forms Q818E, Q909E.
Identifiers: ClinVar variation 4791812 (VCV004791812.1).